The following is an entry in ClinVar:

ClinVar aggregate classification (germline): Benign (1 of 4 stars; one submission).

Conditions:
Glycogen storage disease, type II (IOPD). Also called: Pompe Disease; CARDIOMEGALIA GLYCOGENICA DIFFUSA; GLYCOGENOSIS, GENERALIZED, CARDIAC FORM; GSD II; POMPE DISEASE, INFANTILE-ONSET; GLYCOGEN STORAGE DISEASE II, INFANTILE-ONSET. Identifiers: Orphanet 365, MedGen C0017921, MONDO:0009290, OMIM 232300.

gnomAD v4.1: 99,538 of 152,000 alleles (65%); highest among the groups gnomAD compares: Middle Eastern, 85%; 33,449 homozygotes.

Submission:

Genomenon, Inc
Classification: Benign for Glycogen storage disease, type II. Last evaluated: 2026-07-01. Review status: criteria provided, single submitter. Criteria: Genomenon Sequence Variant Interpretation Standards - Updated. Collection method: curation. Allele origin: germline. Affected: no.
Comment: GAA c.693-559C>T is an intronic variant located in intron 3. This variant is present at high allele frequency in population databases. We classify GAA c.693-559C>T as a benign variant.

NM_000152.5(GAA):c.693-559C>T

Gene: GAA (alpha glucosidase; plus strand). Cytogenetic location: 17q25.3.
Variant type: single nucleotide variant.
Coding change: c.693-559C>T on transcript NM_000152.5 (MANE Select); 559 bases into the intron before coding-DNA position 693, C replaced by T.
Molecular consequence: intron variant.
Genome position (GRCh38, 1-based): chr17:80,106,998, C>T. VCF-style: chr17-80106998-C-T. GRCh37 (hg19) VCF-style: chr17-78080797-C-T.
Other names: c.693-559C>T (NM_001406741.1, NM_001406742.1, NM_001079803.3 and 1 more transcripts).
Identifiers: ClinVar variation 4876420 (VCV004876420.1).